The following is an entry in ClinVar:

NM_032119.4(ADGRV1):c.1316G>A (p.Ser439Asn)

Gene: ADGRV1 (adhesion G protein-coupled receptor V1; plus strand). Cytogenetic location: 5q14.3.
Variant type: single nucleotide variant.
Coding change: c.1316G>A on transcript NM_032119.4 (MANE Select); coding-DNA position 1316, G replaced by A.
Protein change: p.Ser439Asn; replaces serine 439 with asparagine.
Molecular consequence: missense variant. On other transcripts: non-coding transcript variant (1).
Genome position (GRCh38, 1-based): chr5:90,628,639, G>A. VCF-style: chr5-90628639-G-A. GRCh37 (hg19) VCF-style: chr5-89924456-G-A.
Other names: c.1316G>A (NM_032119.3); short protein forms S439N.
Identifiers: ClinVar variation 1495939 (VCV001495939.9), dbSNP rs371235783, ClinGen allele CA121826335.

ClinVar aggregate classification (germline): Uncertain significance. Review status: criteria provided, multiple submitters, no conflicts (2 of 4 stars). 2 submissions from 2 submitters: Uncertain significance (2). Last evaluated 2023-07-13.

Allele frequency attached by ClinVar (database versions not stated): gnomAD exomes below 0.00001; TOPMed 0.00001; gnomAD 0.00002; ESP Exome Variant Server 0.00008.
gnomAD v4.1: 5 of 1,613,824 alleles (0.00031%); highest among the groups gnomAD compares: Admixed American, 0.005%; no homozygotes.

Submissions (2):

GeneDx
Classification: Uncertain significance. Last evaluated: 2023-07-13. Review status: criteria provided, single submitter. Criteria: GeneDx Variant Classification Process June 2021. Collection method: clinical testing. Allele origin: germline. Affected: yes.
Comment: Not observed at significant frequency in large population cohorts (gnomAD); In silico analysis supports that this missense variant does not alter protein structure/function; Has not been previously published as pathogenic or benign to our knowledge

Labcorp Genetics (formerly Invitae), Labcorp
Classification: Uncertain significance. Last evaluated: 2021-02-05. Review status: criteria provided, single submitter. Criteria: Invitae Variant Classification Sherloc (09022015). Collection method: clinical testing. Allele origin: germline.
Comment: This variant is not present in population databases (ExAC no frequency). In summary, the available evidence is currently insufficient to determine the role of this variant in disease. Therefore, it has been classified as a Variant of Uncertain Significance. Algorithms developed to predict the effect of missense changes on protein structure and function output the following: SIFT: "Deleterious"; PolyPhen-2: "Benign"; Align-GVGD: "Class C0". The asparagine amino acid residue is found in multiple mammalian species, suggesting that this missense change does not adversely affect protein function. These predictions have not been confirmed by published functional studies and their clinical significance is uncertain. This variant has not been reported in the literature in individuals with ADGRV1-related conditions. This sequence change replaces serine with asparagine at codon 439 of the ADGRV1 protein (p.Ser439Asn). The serine residue is highly conserved and there is a small physicochemical difference between serine and asparagine.